The following is an entry in ClinVar:

NM_002432.3(MNDA):c.704T>G (p.Met235Arg)

Gene: MNDA (myeloid cell nuclear differentiation antigen; plus strand). Cytogenetic location: 1q23.1.
Variant type: single nucleotide variant.
Coding change: c.704T>G on transcript NM_002432.3 (MANE Select); coding-DNA position 704, T replaced by G.
Protein change: p.Met235Arg; replaces methionine 235 with arginine.
Molecular consequence: missense variant.
Genome position (GRCh38, 1-based): chr1:158,845,720, T>G. VCF-style: chr1-158845720-T-G. GRCh37 (hg19) VCF-style: chr1-158815510-T-G.
Other names: short protein forms M235R.
Identifiers: ClinVar variation 3397276 (VCV003397276.1).
Genomic context (GRCh38, chr1:158,845,720, plus strand): 5'-TGGTACTGAAAGCAACAGCGCCATTTAAATACGAGTCCCCAGAAAATGGGAAAAGCACAA[T>G]GTTTCATGCTACAGTGGCCAGTAAGACTCAATATTTCCATGTGAAAGTCTTCGACATCAA-3'
Protein context (NP_002423.1, residues 225-245): YESPENGKST[Met235Arg]FHATVASKTQ

ClinVar aggregate classification (germline): Uncertain significance (1 of 4 stars; one submission).

Submission:

Ambry Genetics
Classification: Uncertain significance. Last evaluated: 2024-07-09. Review status: criteria provided, single submitter. Criteria: Ambry Variant Classification Scheme 2023. Collection method: clinical testing. Allele origin: germline.
Comment: The p.M235R variant (also known as c.704T>G), located in coding exon 4 of the MNDA gene, results from a T to G substitution at nucleotide position 704. The methionine at codon 235 is replaced by arginine, an amino acid with similar properties. This amino acid position is conserved. In addition, the in silico prediction for this alteration is inconclusive. Based on the available evidence, the clinical significance of this variant remains unclear.